The following is an entry in ClinVar:

NM_001754.5(RUNX1):c.735del (p.Thr246fs)

Gene: RUNX1 (RUNX family transcription factor 1; minus strand). Cytogenetic location: 21q22.12.
Variant type: Deletion.
Coding change: c.735del on transcript NM_001754.5 (MANE Select); coding-DNA position 735, one base deleted (C; older notation c.735delC).
Protein change: p.Thr246fs; shifts the reading frame from threonine 246.
Molecular consequence: frameshift variant.
Genome position (GRCh38, 1-based): chr21:34,834,480, G deleted on the plus strand (C on the coding strand, the reverse complement: RUNX1 is on the minus strand); the first of 5 consecutive G bases (chr21:34,834,480-34,834,484); deleting any one gives the same sequence. VCF-style (leftmost placement, unchanged base first): chr21-34834479-TG-T. GRCh37 (hg19) VCF-style: chr21-36206776-TG-T.
Other names: NM_001754.5(RUNX1):c.735del; p.Thr246fs; c.735del (NM_001754.4); c.735delC (NM_001754.4); c.654del, p.Thr219fs (NM_001001890.3, NM_001122607.2); short protein forms T219fs, T246fs.
Identifiers: ClinVar variation 1691247 (VCV001691247.3), dbSNP rs2146075448, ClinGen allele CA913189268.
Genomic context (GRCh38, chr21:34,834,479, plus strand): 5'-GACTCTGAGGCTGAGGGTTAAAGGCAGTGGAGTGGTTCAGGGAGGCACGAGGGTTGGGCG[TG>T]GGGGCTGGGTGGTGTGGGCTGACCCTCATGGCTGTGCGCCGCAGCTGCTCCAGTTCACTG-3'

ClinVar aggregate classification (germline): Pathogenic. Review status: reviewed by expert panel (3 of 4 stars). 3 submissions from 3 submitters: Pathogenic (1). 2 of the submissions do not count toward it. Last evaluated 2023-12-09.

Conditions:
Hereditary thrombocytopenia and hematological cancer predisposition syndrome associated with RUNX1. Also called: PLATELET DISORDER, ASPIRIN-LIKE; RUNX1 Familial Platelet Disorder with Associated Myeloid Malignancies; Familial Platelet Disorder with Propensity to Acute Myelogenous Leukemia; Familial thrombocytopenia with propensity to acute myelogenous leukemia. Identifiers: Orphanet 71290, MedGen C1832388, MeSH C563324, MONDO:0100083, OMIM 601399.
Hereditary thrombocytopenia and hematologic cancer predisposition syndrome. Identifiers: Orphanet 71290, MedGen CN281654, MONDO:0011071.

Submissions (3):

ClinGen Myeloid Malignancy Variant Curation Expert Panel
Classification: Pathogenic for Hereditary thrombocytopenia and hematologic cancer predisposition syndrome. Last evaluated: 2023-12-09. Review status: reviewed by expert panel. Criteria: ClinGen MyeloMalig ACMG Specifications v2. Collection method: curation. Allele origin: germline. Inheritance: Autosomal dominant inheritance.
Comment: The NM_001754.5(RUNX1):c.735del (p.Thr246ArgfsTer8) is a frameshift variant in a gene in which loss-of-function is an established mechanism (Frameshift (+1); c.98-c.779 as per VCEP specifications) (PVS1). At least 2 probands with RUNX1-phenotypic criteria have been reported (PS4_moderate). Cosegregation with disease in multiple affected family members (4 meiosis across 2 families) have been observed (PP1). This variant is completely absent from all population databases with at least 20x coverage for RUNX1 (PM2_Supporting). This frameshift variant is downstream of c.98 in transcript NM_001754.4 (PM5_Supporting). In summary, this variant meets the criteria to be classified as pathogenic. ACMG/AMP criteria applied, as specified by the Myeloid Malignancy Variant Curation Expert Panel for RUNX1: PVS1, PS4_moderate, PP1, PM2_supporting, PM5_supporting.

GeneDx
Classification: Pathogenic. Last evaluated: 2025-03-25. Review status: criteria provided, single submitter. Criteria: GeneDx Variant Classification Process June 2021. Collection method: clinical testing. Allele origin: germline. Affected: yes. Not counted in ClinVar's aggregate classification.
Comment: Frameshift variant predicted to result in protein truncation or nonsense mediated decay in a gene for which loss-of-function is a known mechanism of disease; Not observed at significant frequency in large population cohorts (gnomAD); This variant is associated with the following publications: (PMID: 22898599, 15741216, 22672365, 26316320, 32675223, 33054100, 37406166)

ISTH-SSC Genomics in Thrombosis and Hemostasis, KU Leuven, Center for Molecular and Vascular Biology
Classification: Likely pathogenic for Hereditary thrombocytopenia and hematological cancer predisposition syndrome associated with RUNX1. Review status: no assertion criteria provided. Collection method: clinical testing. Allele origin: unknown. Affected: yes. Not counted in ClinVar's aggregate classification.
Comment: Submitted to GoldVariant by from Institute for Medical Research A. Lanari. University of Buenos Aires. Argentina.